The following is an entry in ClinVar:

ClinVar aggregate classification (germline): Uncertain significance. Review status: criteria provided, multiple submitters, no conflicts (2 of 4 stars). 2 submissions from 2 submitters: Uncertain significance (2). Last evaluated 2025-09-06.

Conditions:
Hereditary cancer-predisposing syndrome. Also called: Neoplastic Syndromes, Hereditary; Hereditary Cancer Syndrome; Hereditary neoplastic syndrome; Tumor predisposition. Identifiers: Orphanet 140162, MedGen C0027672, MeSH D009386, MONDO:0015356.
Tuberous sclerosis 1 (TSC1). Identifiers: Orphanet 805, MedGen C1854465, MONDO:0008612, OMIM 191100.

Submissions (2):

Ambry Genetics
Classification: Uncertain significance for Hereditary cancer-predisposing syndrome. Last evaluated: 2025-09-06. Review status: criteria provided, single submitter. Criteria: Ambry Variant Classification Scheme 2023. Collection method: clinical testing. Allele origin: germline.
Comment: The p.H150P variant (also known as c.449A>C), located in coding exon 4 of the TSC1 gene, results from an A to C substitution at nucleotide position 449. The histidine at codon 150 is replaced by proline, an amino acid with similar properties. This amino acid position is conserved. In addition, this alteration is predicted to be deleterious by in silico analysis. Based on the available evidence, the clinical significance of this variant remains unclear.

Labcorp Genetics (formerly Invitae), Labcorp
Classification: Uncertain significance for Tuberous sclerosis 1. Last evaluated: 2024-12-27. Review status: criteria provided, single submitter. Criteria: Invitae Variant Classification Sherloc (09022015). Collection method: clinical testing. Allele origin: germline.
Comment: This sequence change replaces histidine, which is basic and polar, with proline, which is neutral and non-polar, at codon 150 of the TSC1 protein (p.His150Pro). This variant is not present in population databases (gnomAD no frequency). This variant has not been reported in the literature in individuals affected with TSC1-related conditions. Invitae Evidence Modeling of protein sequence and biophysical properties (such as structural, functional, and spatial information, amino acid conservation, physicochemical variation, residue mobility, and thermodynamic stability) indicates that this missense variant is not expected to disrupt TSC1 protein function with a negative predictive value of 95%. In summary, the available evidence is currently insufficient to determine the role of this variant in disease. Therefore, it has been classified as a Variant of Uncertain Significance.

NM_000368.5(TSC1):c.449A>C (p.His150Pro)

Gene: TSC1 (TSC complex subunit 1; minus strand). Cytogenetic location: 9q34.13.
Variant type: single nucleotide variant.
Coding change: c.449A>C on transcript NM_000368.5 (MANE Select); coding-DNA position 449, A replaced by C.
Protein change: p.His150Pro; replaces histidine 150 with proline.
Molecular consequence: missense variant. On other transcripts: 5 prime UTR variant (5), non-coding transcript variant (5).
Genome position (GRCh38, 1-based): chr9:132,923,407, T>G on the plus strand (A>C on the coding strand, the complement: TSC1 is on the minus strand). VCF-style: chr9-132923407-T-G. GRCh37 (hg19) VCF-style: chr9-135798794-T-G.
Other names: c.449A>C, p.His150Pro (NM_001162426.2, NM_001406601.1, NM_001406602.1 and 16 more transcripts); c.296A>C, p.His99Pro (NM_001162427.2, NM_001406610.1, NM_001406611.1 and 2 more transcripts); c.86A>C, p.His29Pro (NM_001406620.1, NM_001406621.1, NM_001406622.1 and 10 more transcripts); c.-429A>C (NM_001406626.1, NM_001406627.1, NM_001406628.1); c.-571A>C (NM_001406629.1); c.-645A>C (NM_001406630.1); short protein forms H150P, H99P, H29P.
Identifiers: ClinVar variation 3720844 (VCV003720844.3).
Genomic context (GRCh38, chr9:132,923,407, plus strand): 5'-CCTGGTTTCTTCAGGCACCATGATGACAGACGGCCAAAAATGTCAAAGAAATCAAGAAGA[T>G]GCTGTTTCCCAGACTGTGGAATCATTGGTAGCATGGTTATCAACACCAAGACGCCTGTTG-3'
Protein context (NP_000359.1, residues 140-160): LPMIPQSGKQ[His150Pro]LLDFFDIFGR